The following is an entry in ClinVar:

ClinVar aggregate classification (germline): Conflicting classifications of pathogenicity. Review status: criteria provided, conflicting classifications (1 of 4 stars). 3 submissions from 3 submitters: Pathogenic (1); Uncertain significance (1). 1 of the submissions does not count toward it. Last evaluated 2024-01-29.

Conditions:
Autosomal recessive polycystic kidney disease (ARPKD). Also called: AR polycystic kidney disease. Identifiers: Orphanet 731, Orphanet 8378, MedGen C0085548, MeSH D017044, MONDO:0009889.
Polycystic kidney disease 4 (PKD4). Also called: POLYCYSTIC KIDNEY DISEASE 4 WITH OR WITHOUT POLYCYSTIC LIVER DISEASE; POLYCYSTIC KIDNEY AND HEPATIC DISEASE 1; POLYCYSTIC KIDNEY DISEASE, INFANTILE, TYPE I; PKD3; Autosomal Recessive Polycystic Kidney Disease – PKHD1. Identifiers: MedGen C4540575, MONDO:0033004, OMIM 263200.

Allele frequency attached by ClinVar (database versions not stated): gnomAD exomes below 0.00001; ExAC 0.00001.
gnomAD v4.1: 3 of 1,597,890 alleles (0.00019%); highest among the groups gnomAD compares: Admixed American, 0.0017%; no homozygotes.

Submissions (3):

Labcorp Genetics (formerly Invitae), Labcorp
Classification: Pathogenic for Autosomal recessive polycystic kidney disease. Last evaluated: 2024-01-29. Review status: criteria provided, single submitter. Criteria: Invitae Variant Classification Sherloc (09022015). Collection method: clinical testing. Allele origin: germline.
Comment: This sequence change replaces serine, which is neutral and polar, with arginine, which is basic and polar, at codon 270 of the PKHD1 protein (p.Ser270Arg). This variant is present in population databases (rs754448530, gnomAD 0.003%). This missense change has been observed in individual(s) with autosomal recessive polycystic kidney disease and/or PKHD1-related conditions (PMID: 27225849; Invitae). In at least one individual the data is consistent with being in trans (on the opposite chromosome) from a pathogenic variant. ClinVar contains an entry for this variant (Variation ID: 551838). Advanced modeling of protein sequence and biophysical properties (such as structural, functional, and spatial information, amino acid conservation, physicochemical variation, residue mobility, and thermodynamic stability) performed at Invitae indicates that this missense variant is expected to disrupt PKHD1 protein function with a positive predictive value of 95%. For these reasons, this variant has been classified as Pathogenic.

Fulgent Genetics
Classification: Uncertain significance for Polycystic kidney disease 4. Last evaluated: 2022-05-16. Review status: criteria provided, single submitter. Criteria: ACMG Guidelines, 2015. Collection method: clinical testing. Allele origin: unknown.

Counsyl
Classification: Uncertain significance for Polycystic kidney disease 4. Last evaluated: 2017-05-10. Review status: no assertion criteria provided. Collection method: clinical testing. Allele origin: unknown. Not counted in ClinVar's aggregate classification.

Literature cited by the submitters: PubMed 27225849 (cited by Labcorp Genetics (formerly Invitae), Labcorp and Counsyl).

NM_138694.4(PKHD1):c.810C>A (p.Ser270Arg)

Gene: PKHD1 (PKHD1 ciliary IPT domain containing fibrocystin/polyductin; minus strand). Cytogenetic location: 6p12.2.
Variant type: single nucleotide variant.
Coding change: c.810C>A on transcript NM_138694.4 (MANE Select); coding-DNA position 810, C replaced by A.
Protein change: p.Ser270Arg; replaces serine 270 with arginine.
Molecular consequence: missense variant.
Genome position (GRCh38, 1-based): chr6:52,066,046, G>T on the plus strand (C>A on the coding strand, the complement: PKHD1 is on the minus strand). VCF-style: chr6-52066046-G-T. GRCh37 (hg19) VCF-style: chr6-51930844-G-T.
Other names: c.810C>A, p.Ser270Arg (NM_170724.3); short protein forms S270R.
Identifiers: ClinVar variation 551838 (VCV000551838.8), dbSNP rs754448530, ClinGen allele CA3853750.